The following is an entry in ClinVar:

ClinVar aggregate classification (germline): Uncertain significance. Review status: criteria provided, multiple submitters, no conflicts (2 of 4 stars). 2 submissions from 2 submitters: Uncertain significance (2). Last evaluated 2025-05-16.

gnomAD v4.1: 28 of 1,612,674 alleles (0.0017%); highest among the groups gnomAD compares: Non-Finnish European, 0.002%; no homozygotes.

Submissions (2):

Labcorp Genetics (formerly Invitae), Labcorp
Classification: Uncertain significance. Last evaluated: 2025-05-16. Review status: criteria provided, single submitter. Criteria: Invitae Variant Classification Sherloc (09022015). Collection method: clinical testing. Allele origin: germline.
Comment: This sequence change replaces aspartic acid, which is acidic and polar, with glutamic acid, which is acidic and polar, at codon 697 of the ARHGEF1 protein (p.Asp697Glu). This variant is present in population databases (rs782511246, gnomAD 0.01%). This variant has not been reported in the literature in individuals affected with ARHGEF1-related conditions. ClinVar contains an entry for this variant (Variation ID: 2159990). An algorithm developed to predict the effect of missense changes on protein structure and function (PolyPhen-2) suggests that this variant is likely to be tolerated. In summary, the available evidence is currently insufficient to determine the role of this variant in disease. Therefore, it has been classified as a Variant of Uncertain Significance.

Ambry Genetics
Classification: Uncertain significance. Last evaluated: 2024-01-17. Review status: criteria provided, single submitter. Criteria: Ambry Variant Classification Scheme 2023. Collection method: clinical testing. Allele origin: germline.

NM_004706.4(ARHGEF1):c.2046C>A (p.Asp682Glu)

Gene: ARHGEF1 (Rho guanine nucleotide exchange factor 1; plus strand). Cytogenetic location: 19q13.2.
Variant type: single nucleotide variant.
Coding change: c.2046C>A on transcript NM_004706.4 (MANE Select); coding-DNA position 2046, C replaced by A.
Protein change: p.Asp682Glu; replaces aspartic acid 682 with glutamic acid.
Molecular consequence: missense variant. On other transcripts: non-coding transcript variant (2).
Genome position (GRCh38, 1-based): chr19:41,904,268, C>A. VCF-style: chr19-41904268-C-A. GRCh37 (hg19) VCF-style: chr19-42408420-C-A.
Other names: c.2091C>A (NM_199002.1); c.2214C>A, p.Asp738Glu (NM_001396000.1); c.1947C>A, p.Asp649Glu (NM_001396002.1, NM_001396004.1, NM_198977.2); c.2046C>A, p.Asp682Glu (NM_001396003.1, NM_001396006.1); c.2091C>A, p.Asp697Glu (NM_199002.2); short protein forms D649E, D682E, D738E, D697E.
Identifiers: ClinVar variation 2159990 (VCV002159990.5), dbSNP rs782511246, ClinGen allele CA9466595.